The following is an entry in ClinVar:

ClinVar aggregate classification (germline): Uncertain significance (1 of 4 stars; one submission).

Conditions:
Inborn genetic diseases. Identifiers: MedGen C0950123, MeSH D030342.

Submission:

Ambry Genetics
Classification: Uncertain significance for Inborn genetic diseases. Last evaluated: 2025-07-31. Review status: criteria provided, single submitter. Criteria: Ambry Variant Classification Scheme 2023. Collection method: clinical testing. Allele origin: germline.
Comment: The p.I212T variant (also known as c.635T>C), located in coding exon 7 of the DDX41 gene, results from a T to C substitution at nucleotide position 635. The isoleucine at codon 212 is replaced by threonine, an amino acid with similar properties. This amino acid position is conserved. In addition, the in silico prediction for this alteration is inconclusive. Based on the available evidence, the clinical significance of this variant remains unclear.

NM_016222.4(DDX41):c.635T>C (p.Ile212Thr)

Gene: DDX41 (DEAD-box helicase 41; minus strand). Cytogenetic location: 5q35.3.
Variant type: single nucleotide variant.
Coding change: c.635T>C on transcript NM_016222.4 (MANE Select); coding-DNA position 635, T replaced by C.
Protein change: p.Ile212Thr; replaces isoleucine 212 with threonine.
Molecular consequence: missense variant.
Genome position (GRCh38, 1-based): chr5:177,515,195, A>G on the plus strand (T>C on the coding strand, the complement: DDX41 is on the minus strand). VCF-style: chr5-177515195-A-G. GRCh37 (hg19) VCF-style: chr5-176942196-A-G.
Other names: c.257T>C, p.Ile86Thr (NM_001321732.2, NM_001321830.2); short protein forms I86T, I212T.
Identifiers: ClinVar variation 4238785 (VCV004238785.1).